The following is an entry in ClinVar:

ClinVar aggregate classification (germline): Likely pathogenic (1 of 4 stars; one submission).

Submission:

Labcorp Genetics (formerly Invitae), Labcorp
Classification: Likely pathogenic. Last evaluated: 2022-07-19. Review status: criteria provided, single submitter. Criteria: Invitae Variant Classification Sherloc (09022015). Collection method: clinical testing. Allele origin: germline.
Comment: This variant is a gross deletion of the genomic region encompassing exon(s) 3-4 of the HPGD gene. This variant would be expected to be in-frame, preserving the integrity of the reading frame. In summary, the currently available evidence indicates that the variant is pathogenic, but additional data are needed to prove that conclusively. Therefore, this variant has been classified as Likely Pathogenic. This variant disrupts the p.Ala140 amino acid residue in HPGD. Other variant(s) that disrupt this residue have been determined to be pathogenic (PMID: 18500342, 19306095, 32282352). This suggests that this residue is clinically significant, and that variants that disrupt this residue are likely to be disease-causing. This variant has not been reported in the literature in individuals affected with HPGD-related conditions.

Literature cited by the submitters: PubMed 18500342; PubMed 19306095; PubMed 32282352.

NC_000004.11:g.(?_175429827)_(175439248_?)del

Gene: HPGD (15-hydroxyprostaglandin dehydrogenase; minus strand). Cytogenetic location: 4q34.1.
Variant type: Deletion.
Identifiers: ClinVar variation 2423428 (VCV002423428.4).